The following is an entry in ClinVar:

NM_000153.4(GALC):c.248T>G (p.Leu83Trp)

Gene: GALC (galactosylceramidase; minus strand). Cytogenetic location: 14q31.3.
Variant type: single nucleotide variant.
Coding change: c.248T>G on transcript NM_000153.4 (MANE Select); coding-DNA position 248, T replaced by G.
Protein change: p.Leu83Trp; replaces leucine 83 with tryptophan.
Molecular consequence: missense variant. On other transcripts: 5 prime UTR variant (4), non-coding transcript variant (1), intron variant (1).
Genome position (GRCh38, 1-based): chr14:87,988,471, A>C on the plus strand (T>G on the coding strand, the complement: GALC is on the minus strand). VCF-style: chr14-87988471-A-C. GRCh37 (hg19) VCF-style: chr14-88454815-A-C.
Other names: c.170T>G, p.Leu57Trp (NM_001201402.2); c.80T>G, p.Leu27Trp (NM_001424071.1, NM_001424072.1, NM_001424073.1); c.-101T>G (NM_001424074.1); c.-189T>G (NM_001424075.1); c.-420T>G (NM_001424076.1, NM_001424077.1); c.196-264T>G (NM_001201401.2); short protein forms L27W, L57W, L83W.
Identifiers: ClinVar variation 4068198 (VCV004068198.2).

ClinVar aggregate classification (germline): Uncertain significance. Review status: criteria provided, single submitter (1 of 4 stars). 2 submissions from 2 submitters: Uncertain significance (1). 1 of the submissions does not count toward it. Last evaluated 2025-11-12.

Conditions:
Galactosylceramide beta-galactosidase deficiency. Also called: GALACTOCEREBROSIDASE DEFICIENCY; GALC DEFICIENCY; GLOBOID CELL LEUKOENCEPHALOPATHY; Leukodystrophy, Globoid Cell; Krabbe Disease. Identifiers: Orphanet 487, MedGen C0023521, MONDO:0009499, OMIM 245200.

Submissions (2):

3billion
Classification: Uncertain significance for Galactosylceramide beta-galactosidase deficiency. Last evaluated: 2025-11-12. Review status: criteria provided, single submitter. Criteria: ACMG Guidelines, 2015. Collection method: clinical testing. Allele origin: germline. Affected: yes.
Comment: The variant is not observed in the gnomAD v4.1.0 dataset. Predicted Consequence/Location: Missense variant In silico tool predictions suggest damaging effect of the variant on gene or gene product [REVEL: 0.98 (>=0.6, sensitivity 0.68 and specificity 0.92); 3Cnet: 0.98 (> 0.75, sensitivity 0.96 and precision 0.92)]. The variant has been reported as of uncertain significance (ClinVar ID: VCV004068198). Therefore, this variant is classified as VUS according to the recommendation of ACMG/AMP guideline.

Natera, Inc.
Classification: Uncertain significance for Galactosylceramide beta-galactosidase deficiency. Last evaluated: 2025-05-12. Review status: no assertion criteria provided. Collection method: clinical testing. Allele origin: germline. Not counted in ClinVar's aggregate classification.